The following is an entry in ClinVar:

NM_000051.4(ATM):c.3007C>A (p.Gln1003Lys)

Gene: ATM (ATM serine/threonine kinase; plus strand). Cytogenetic location: 11q22.3.
Variant type: single nucleotide variant.
Coding change: c.3007C>A on transcript NM_000051.4 (MANE Select); coding-DNA position 3007, C replaced by A.
Protein change: p.Gln1003Lys; replaces glutamine 1003 with lysine.
Molecular consequence: missense variant.
Genome position (GRCh38, 1-based): chr11:108,271,336, C>A. VCF-style: chr11-108271336-C-A. GRCh37 (hg19) VCF-style: chr11-108142063-C-A.
Other names: c.3007C>A, p.Gln1003Lys (NM_001351834.2); short protein forms Q1003K.
Identifiers: ClinVar variation 1798752 (VCV001798752.4), dbSNP rs1555085143, ClinGen allele CA382547419.

ClinVar aggregate classification (germline): Uncertain significance. Review status: criteria provided, multiple submitters, no conflicts (2 of 4 stars). 2 submissions from 2 submitters: Uncertain significance (2). Last evaluated 2024-02-01.

Conditions:
Ataxia-telangiectasia syndrome (AT). Also called: Ataxia-telangiectasia, complementation group D; AT, COMPLEMENTATION GROUP C; ATAXIA-TELANGIECTASIA, COMPLEMENTATION GROUP A; ATAXIA-TELANGIECTASIA, FRESNO VARIANT; Ataxia-telangiectasia; LOUIS-BAR SYNDROME. Identifiers: Orphanet 100, MedGen C0004135, MONDO:0008840, OMIM 208900.
Hereditary cancer-predisposing syndrome. Also called: Neoplastic Syndromes, Hereditary; Tumor predisposition; Hereditary neoplastic syndrome; Hereditary Cancer Syndrome. Identifiers: Orphanet 140162, MedGen C0027672, MeSH D009386, MONDO:0015356.

Allele frequency attached by ClinVar (database versions not stated): gnomAD exomes below 0.00001.
gnomAD v4.1: 1 of 1,613,638 alleles (0.000062%); highest among the groups gnomAD compares: South Asian, 0.0011%; no homozygotes.

Submissions (2):

Labcorp Genetics (formerly Invitae), Labcorp
Classification: Uncertain significance for Ataxia-telangiectasia syndrome. Last evaluated: 2024-02-01. Review status: criteria provided, single submitter. Criteria: Invitae Variant Classification Sherloc (09022015). Collection method: clinical testing. Allele origin: germline.
Comment: This sequence change replaces glutamine, which is neutral and polar, with lysine, which is basic and polar, at codon 1003 of the ATM protein (p.Gln1003Lys). This variant is not present in population databases (gnomAD no frequency). This variant has not been reported in the literature in individuals affected with ATM-related conditions. ClinVar contains an entry for this variant (Variation ID: 1798752). An algorithm developed to predict the effect of missense changes on protein structure and function (PolyPhen-2) suggests that this variant is likely to be tolerated. In summary, the available evidence is currently insufficient to determine the role of this variant in disease. Therefore, it has been classified as a Variant of Uncertain Significance.

Ambry Genetics
Classification: Uncertain significance for Hereditary cancer-predisposing syndrome. Last evaluated: 2021-12-10. Review status: criteria provided, single submitter. Criteria: Ambry Variant Classification Scheme 2023. Collection method: clinical testing. Allele origin: germline.
Comment: The p.Q1003K variant (also known as c.3007C>A), located in coding exon 19 of the ATM gene, results from a C to A substitution at nucleotide position 3007. The glutamine at codon 1003 is replaced by lysine, an amino acid with similar properties. This amino acid position is conserved. In addition, this alteration is predicted to be tolerated by in silico analysis. Since supporting evidence is limited at this time, the clinical significance of this alteration remains unclear.